The following is an entry in ClinVar:

ClinVar aggregate classification (germline): Conflicting classifications of pathogenicity. Review status: criteria provided, conflicting classifications (1 of 4 stars). 2 submissions from 2 submitters: Uncertain significance (1); Likely benign (1). Last evaluated 2024-12-18.

Allele frequency attached by ClinVar (database versions not stated): ExAC 0.00001; gnomAD 0.00001; gnomAD exomes 0.00005.
gnomAD v4.1: 73 of 1,614,104 alleles (0.0045%); highest among the groups gnomAD compares: Non-Finnish European, 0.0058%; no homozygotes.

Submissions (2):

ARUP Laboratories, Molecular Genetics and Genomics, ARUP Laboratories
Classification: Likely benign. Last evaluated: 2024-12-18. Review status: criteria provided, single submitter. Criteria: ARUP Molecular Germline Variant Investigation Process 2024. Collection method: clinical testing. Allele origin: germline.

GeneDx
Classification: Uncertain significance. Last evaluated: 2022-06-01. Review status: criteria provided, single submitter. Criteria: GeneDx Variant Classification Process June 2021. Collection method: clinical testing. Allele origin: germline. Affected: yes.
Comment: Has not been previously published as pathogenic or benign to our knowledge; In-silico analysis is inconclusive as to whether the variant alters gene splicing. In the absence of RNA/functional studies, the actual effect of this sequence change is unknown.; Reported using an alternate transcript of the gene

NM_000268.4(NF2):c.1737+1406T>A

Gene: NF2 (NF2, moesin-ezrin-radixin like (MERLIN) tumor suppressor; plus strand). Cytogenetic location: 22q12.2.
Variant type: single nucleotide variant.
Coding change: c.1737+1406T>A on transcript NM_000268.4 (MANE Select); 1406 bases into the intron after coding-DNA position 1737, T replaced by A.
Molecular consequence: intron variant.
Genome position (GRCh38, 1-based): chr22:29,683,007, T>A. VCF-style: chr22-29683007-T-A. GRCh37 (hg19) VCF-style: chr22-30078996-T-A.
Other names: c.1738-13T>A (NM_016418.5, NM_181832.3, NM_181825.3); c.448-11745T>A (NM_181833.3); c.1615-13T>A (NM_181829.3); c.1612-13T>A (NM_181828.3); c.1489-13T>A (NM_181830.3, NM_181831.3).
Identifiers: ClinVar variation 1802005 (VCV001802005.2), dbSNP rs778513184, ClinGen allele CA032889.